The following is an entry in ClinVar:

ClinVar aggregate classification (germline): Uncertain significance (1 of 4 stars; one submission).

Conditions:
Baller-Gerold syndrome (BGS). Also called: CRANIOSYNOSTOSIS WITH RADIAL DEFECTS. Identifiers: Orphanet 1225, MedGen C0265308, MONDO:0009039, OMIM 218600.

Allele frequency attached by ClinVar (database versions not stated): gnomAD exomes below 0.00001.
gnomAD v4.1: 1 of 1,609,212 alleles (0.000062%); highest among the groups gnomAD compares: Non-Finnish European, 0.000085%; no homozygotes.

Submission:

Labcorp Genetics (formerly Invitae), Labcorp
Classification: Uncertain significance for Baller-Gerold syndrome. Last evaluated: 2023-01-18. Review status: criteria provided, single submitter. Criteria: Invitae Variant Classification Sherloc (09022015). Collection method: clinical testing. Allele origin: germline.
Comment: In summary, the available evidence is currently insufficient to determine the role of this variant in disease. Therefore, it has been classified as a Variant of Uncertain Significance. Experimental studies and prediction algorithms are not available or were not evaluated, and the functional significance of this variant is currently unknown. ClinVar contains an entry for this variant (Variation ID: 1394916). This variant has not been reported in the literature in individuals affected with RECQL4-related conditions. This variant is not present in population databases (gnomAD no frequency). This sequence change replaces glycine, which is neutral and non-polar, with aspartic acid, which is acidic and polar, at codon 233 of the RECQL4 protein (p.Gly233Asp).

NM_004260.4(RECQL4):c.698G>A (p.Gly233Asp)

Gene: RECQL4 (RecQ like helicase 4; minus strand). Cytogenetic location: 8q24.3.
Variant type: single nucleotide variant.
Coding change: c.698G>A on transcript NM_004260.4 (MANE Select); coding-DNA position 698, G replaced by A.
Protein change: p.Gly233Asp; replaces glycine 233 with aspartic acid.
Molecular consequence: missense variant.
Genome position (GRCh38, 1-based): chr8:144,516,421, C>T on the plus strand (G>A on the coding strand, the complement: RECQL4 is on the minus strand). VCF-style: chr8-144516421-C-T. GRCh37 (hg19) VCF-style: chr8-145741805-C-T.
Other names: short protein forms G233D.
Identifiers: ClinVar variation 1394916 (VCV001394916.6), dbSNP rs2130724078, ClinGen allele CA372689637.